The following is an entry in ClinVar:

ClinVar aggregate classification (germline): Uncertain significance (1 of 4 stars; one submission).

Conditions:
Hypertrophic cardiomyopathy. Also called: HYPERTROPHIC MYOCARDIOPATHY. Identifiers: Orphanet 217569, MedGen C0007194, MeSH D002312, MONDO:0005045, HP:0001639.

Submission:

Labcorp Genetics (formerly Invitae), Labcorp
Classification: Uncertain significance for Hypertrophic cardiomyopathy. Last evaluated: 2022-09-04. Review status: criteria provided, single submitter. Criteria: Invitae Variant Classification Sherloc (09022015). Collection method: clinical testing. Allele origin: germline.
Comment: This sequence change replaces glutamic acid, which is acidic and polar, with aspartic acid, which is acidic and polar, at codon 184 of the TPM1 protein (p.Glu184Asp). This variant is not present in population databases (gnomAD no frequency). This variant has not been reported in the literature in individuals affected with TPM1-related conditions. Algorithms developed to predict the effect of missense changes on protein structure and function are either unavailable or do not agree on the potential impact of this missense change (SIFT: "Tolerated"; PolyPhen-2: "Probably Damaging"; Align-GVGD: "Class C0"). In summary, the available evidence is currently insufficient to determine the role of this variant in disease. Therefore, it has been classified as a Variant of Uncertain Significance.

NM_001018005.2(TPM1):c.552G>T (p.Glu184Asp)

Gene: TPM1 (tropomyosin 1; plus strand). Cytogenetic location: 15q22.2.
Variant type: single nucleotide variant.
Coding change: c.552G>T on transcript NM_001018005.2 (MANE Select); coding-DNA position 552, G replaced by T.
Protein change: p.Glu184Asp; replaces glutamic acid 184 with aspartic acid.
Molecular consequence: missense variant.
Genome position (GRCh38, 1-based): chr15:63,060,928, G>T. VCF-style: chr15-63060928-G-T. GRCh37 (hg19) VCF-style: chr15-63353127-G-T.
Other names: c.552G>T, p.Glu184Asp (NM_000366.6, NM_001018004.2, NM_001018006.2 and 20 more transcripts); c.444G>T, p.Glu148Asp (NM_001018008.2, NM_001301289.2, NM_001330344.2 and 9 more transcripts); c.678G>T, p.Glu226Asp (NM_001365778.1, NM_001407322.1, NM_001407323.1 and 1 more transcripts); short protein forms E148D, E184D, E226D.
Identifiers: ClinVar variation 1718821 (VCV001718821.5), dbSNP rs1455822203, ClinGen allele CA392723294.
Genomic context (GRCh38, chr15:63,060,928, plus strand): 5'-GGTGGCCCGTAAGCTGGTCATCATTGAGAGCGACCTGGAACGTGCAGAGGAGCGGGCTGA[G>T]CTCTCAGAAGGGTAAGCGGGCCCGGCGCCAGGAGGCCACGAATGGGGTGCTGCAGAGCAG-3'
Protein context (NP_001018005.1, residues 174-194): SDLERAEERA[Glu184Asp]LSEGKCAELE